The following is an entry in ClinVar:

ClinVar aggregate classification (germline): Uncertain significance. Review status: criteria provided, multiple submitters, no conflicts (2 of 4 stars). 4 submissions from 4 submitters: Uncertain significance (4). Last evaluated 2025-03-05.

Conditions:
Inborn genetic diseases. Identifiers: MedGen C0950123, MeSH D030342.

Allele frequency attached by ClinVar (database versions not stated): ExAC 0.00012; gnomAD exomes 0.00015; TOPMed 0.00006; gnomAD 0.00002.
gnomAD v4.1: 47 of 1,613,782 alleles (0.0029%); highest among the groups gnomAD compares: Admixed American, 0.077%; 2 homozygotes.

Submissions (4):

ARUP Laboratories, Molecular Genetics and Genomics, ARUP Laboratories
Classification: Uncertain significance. Last evaluated: 2025-03-05. Review status: criteria provided, single submitter. Criteria: ARUP Molecular Germline Variant Investigation Process 2024. Collection method: clinical testing. Allele origin: germline.
Comment: The VWF c.4123C>T; p.Pro1375Ser variant (rs751767496), to our knowledge, is not reported in the medical literature in individuals affected with VWF-related disorders but is reported in ClinVar (Variation ID: 439336). This variant is found in the Latino/Admixed American population with an allele frequency of 0.11% (39/35,430 alleles, including 2 homozygotes) in the Genome Aggregation Database (v2.1.1). Computational analyses are uncertain whether this variant is neutral or deleterious (REVEL: 0.596). Due to limited information, the clinical significance of this variant is uncertain at this time.

Ambry Genetics
Classification: Uncertain significance for Inborn genetic diseases. Last evaluated: 2024-11-24. Review status: criteria provided, single submitter. Criteria: Ambry Variant Classification Scheme 2023. Collection method: clinical testing. Allele origin: germline.

Women's Health and Genetics/Laboratory Corporation of America, LabCorp
Classification: Uncertain significance. Last evaluated: 2024-06-07. Review status: criteria provided, single submitter. Criteria: LabCorp Variant Classification Summary - May 2015. Collection method: clinical testing. Allele origin: germline.
Comment: Variant summary: VWF c.4123C>T (p.Pro1375Ser) results in a non-conservative amino acid change located in the von Willebrand factor, type A domain (IPR002035) of the encoded protein sequence. Four of five in-silico tools predict a damaging effect of the variant on protein function. The variant allele was found at a frequency of 0.00015 in 250938 control chromosomes in the gnomAD database, including 2 homozygotes. This frequency is not significantly higher than estimated for a pathogenic variant in VWF causing Von Willebrand Disease, allowing no conclusion about variant significance. c.4123C>T has been reported in the literature as de novo in an individual affected with Von Willebrand Disease; however, this variant was detected with de novo variants in other genes with unknown disease association (Coban-Akdemir_2020). These report(s) do not provide unequivocal conclusions about association of the variant with Von Willebrand Disease. To our knowledge, no experimental evidence demonstrating an impact on protein function has been reported. The following publication have been ascertained in the context of this evaluation (PMID: 32233023). ClinVar contains an entry for this variant (Variation ID: 439336). Based on the evidence outlined above, the variant was classified as uncertain significance.

Quest Diagnostics Nichols Institute San Juan Capistrano
Classification: Uncertain significance. Last evaluated: 2020-09-29. Review status: criteria provided, single submitter. Criteria: Quest Diagnostics criteria. Collection method: clinical testing. Allele origin: unknown.

Literature cited by the submitters: PubMed 32233023 (cited by Women's Health and Genetics/Laboratory Corporation of America, LabCorp).

NM_000552.5(VWF):c.4123C>T (p.Pro1375Ser)

Gene: VWF (von Willebrand factor; minus strand). Cytogenetic location: 12p13.31.
Variant type: single nucleotide variant.
Coding change: c.4123C>T on transcript NM_000552.5 (MANE Select); coding-DNA position 4123, C replaced by T.
Protein change: p.Pro1375Ser; replaces proline 1375 with serine.
Molecular consequence: missense variant.
Genome position (GRCh38, 1-based): chr12:6,019,295, G>A on the plus strand (C>T on the coding strand, the complement: VWF is on the minus strand). VCF-style: chr12-6019295-G-A. GRCh37 (hg19) VCF-style: chr12-6128461-G-A.
Other names: short protein forms P1375S.
Identifiers: ClinVar variation 439336 (VCV000439336.7), dbSNP rs751767496, ClinGen allele CA6402598.